The following is an entry in ClinVar:

ClinVar aggregate classification (germline): Likely pathogenic (1 of 4 stars; one submission).

Conditions:
Familial intrahepatic cholestasis. Identifiers: Orphanet 284385, MedGen CN296401, MONDO:0017290.

Submission:

Genomenon, Inc
Classification: Likely pathogenic for Familial intrahepatic cholestasis. Last evaluated: 2026-04-14. Review status: criteria provided, single submitter. Criteria: Genomenon Sequence Variant Interpretation Standards - Updated. Collection method: curation. Allele origin: germline. Affected: no.
Comment: ABCB11 c.1639-1G>A is a canonical splice variant affecting the acceptor splice site of intron 14. It is predicted to affect mRNA splicing, leading to a deleterious effect on the ABCB11 protein. This variant has been reported in the published literature (PMID:27114171). It is absent or not present at a significant frequency in gnomAD. In conclusion, we classify ABCB11 c.1639-1G>A as a likely pathogenic variant.

Literature cited by the submitters: PubMed 27114171.

NM_003742.4(ABCB11):c.1639-1G>A

Gene: ABCB11 (ATP binding cassette subfamily B member 11; minus strand). Cytogenetic location: 2q31.1.
Variant type: single nucleotide variant.
Coding change: c.1639-1G>A on transcript NM_003742.4 (MANE Select); the canonical splice acceptor site of the intron before coding-DNA position 1639, G replaced by A.
Molecular consequence: splice acceptor variant.
Genome position (GRCh38, 1-based): chr2:168,970,216, C>T on the plus strand (G>A on the coding strand, the complement: ABCB11 is on the minus strand). VCF-style: chr2-168970216-C-T. GRCh37 (hg19) VCF-style: chr2-169826726-C-T.
Identifiers: ClinVar variation 4846693 (VCV004846693.1).